The following is an entry in ClinVar:

NM_001941.5(DSC3):c.2458G>T (p.Glu820Ter)

Gene: DSC3 (desmocollin 3; minus strand). Cytogenetic location: 18q12.1.
Variant type: single nucleotide variant.
Coding change: c.2458G>T on transcript NM_001941.5 (MANE Select); coding-DNA position 2458, G replaced by T.
Protein change: p.Glu820Ter; replaces glutamic acid 820 with a stop codon.
Molecular consequence: nonsense.
Genome position (GRCh38, 1-based): chr18:30,996,826, C>A on the plus strand (G>T on the coding strand, the complement: DSC3 is on the minus strand). VCF-style: chr18-30996826-C-A. GRCh37 (hg19) VCF-style: chr18-28576792-C-A.
Other names: c.2458G>T, p.Glu820Ter (NM_024423.4); short protein forms E820*.
Identifiers: ClinVar variation 4845663 (VCV004845663.1).

ClinVar aggregate classification (germline): Likely pathogenic (1 of 4 stars; one submission).

Conditions:
Hereditary hypotrichosis with recurrent skin vesicles. Identifiers: Orphanet 217407, MedGen C2751292, MONDO:0013136, OMIM 613102.

gnomAD v4.1: 11 of 1,613,792 alleles (0.00068%); highest among the groups gnomAD compares: South Asian, 0.0011%; no homozygotes.

Submission:

First Genomix Gene Laboratory, Genetic Diagnostics Department
Classification: Likely pathogenic for Hereditary hypotrichosis with recurrent skin vesicles. Last evaluated: 2025-01-10. Review status: criteria provided, single submitter. Criteria: ACMG Guidelines, 2015. Collection method: clinical testing. Allele origin: germline. Inheritance: Autosomal recessive inheritance. Affected: no. Observed: 1 variant allele.